The following is an entry in ClinVar:

ClinVar aggregate classification (germline): Uncertain significance. Review status: criteria provided, multiple submitters, no conflicts (2 of 4 stars). 2 submissions from 2 submitters: Uncertain significance (2). Last evaluated 2023-06-08.

Conditions:
Gorlin syndrome. Also called: Nevoid Basal Cell Carcinoma Syndrome; Basal cell nevus syndrome. Identifiers: Orphanet 377, MedGen C0004779, MONDO:0007187.

Submissions (2):

GeneDx
Classification: Uncertain significance. Last evaluated: 2023-06-08. Review status: criteria provided, single submitter. Criteria: GeneDx Variant Classification Process June 2021. Collection method: clinical testing. Allele origin: germline. Affected: yes.
Comment: Not observed at significant frequency in large population cohorts (gnomAD); In silico analysis supports that this missense variant does not alter protein structure/function; Has not been previously published as pathogenic or benign to our knowledge; This variant is associated with the following publications: (PMID: 11331587)

Labcorp Genetics (formerly Invitae), Labcorp
Classification: Uncertain significance for Gorlin syndrome. Last evaluated: 2022-03-05. Review status: criteria provided, single submitter. Criteria: Invitae Variant Classification Sherloc (09022015). Collection method: clinical testing. Allele origin: germline.
Comment: This sequence change replaces serine, which is neutral and polar, with cysteine, which is neutral and slightly polar, at codon 713 of the PTCH1 protein (p.Ser713Cys). This variant is not present in population databases (gnomAD no frequency). This variant has not been reported in the literature in individuals affected with PTCH1-related conditions. ClinVar contains an entry for this variant (Variation ID: 524518). Advanced modeling of protein sequence and biophysical properties (such as structural, functional, and spatial information, amino acid conservation, physicochemical variation, residue mobility, and thermodynamic stability) performed at Invitae indicates that this missense variant is not expected to disrupt PTCH1 protein function. In summary, the available evidence is currently insufficient to determine the role of this variant in disease. Therefore, it has been classified as a Variant of Uncertain Significance.

NM_000264.5(PTCH1):c.2138C>G (p.Ser713Cys)

Genes: PTCH1 (patched 1; minus strand), LOC100507346 (uncharacterized LOC100507346; plus strand). Cytogenetic location: 9q22.32.
Variant type: single nucleotide variant.
Coding change: c.2138C>G on transcript NM_000264.5 (MANE Select); coding-DNA position 2138, C replaced by G.
Protein change: p.Ser713Cys; replaces serine 713 with cysteine.
Molecular consequence: missense variant. On other transcripts: non-coding transcript variant (2).
Genome position (GRCh38, 1-based): chr9:95,468,863, G>C on the plus strand (C>G on the coding strand, the complement: PTCH1 is on the minus strand). VCF-style: chr9-95468863-G-C. GRCh37 (hg19) VCF-style: chr9-98231145-G-C.
Other names: c.1940C>G, p.Ser647Cys (NM_001083602.3); c.2135C>G, p.Ser712Cys (NM_001083603.3); c.1685C>G, p.Ser562Cys (NM_001083604.3, NM_001083605.3, NM_001083606.3 and 1 more transcripts); c.1982C>G, p.Ser661Cys (NM_001354918.2); short protein forms S713C, S647C, S562C, S661C, S712C.
Identifiers: ClinVar variation 524518 (VCV000524518.8), dbSNP rs1554694963, ClinGen allele CA374115577.
Genomic context (GRCh38, chr9:95,468,863, plus strand): 5'-GAGAGTGTCCACTTCGTACAGGGGGGCTCGAGGCAGTGGAGGCTGGAGTCGGAGAACTGG[G>C]AGAGCAGGTCCCTTGTGGAGCTGGTGCTCTCTGGGCTCTGGCAGCTGAGGGTGTCCTGTG-3'
Protein context (NP_000255.2, residues 703-723): ESTSSTRDLL[Ser713Cys]QFSDSSLHCL